The following is an entry in ClinVar:

ClinVar aggregate classification (germline): Uncertain significance (1 of 4 stars; one submission).

Submission:

Geisinger Autism and Developmental Medicine Institute, Geisinger Health System
Classification: Uncertain significance. Last evaluated: 2017-01-17. Review status: criteria provided, single submitter. Criteria: ACMG Guidelines, 2015. Collection method: provider interpretation, clinical testing. Allele origin: unknown. Observed: 1 variant allele.
Comment: Heterozygous loss of function variants have been reported in several individuals with developmental delays, rhizomelic short stature, intrauterine growth restriction, microcephaly, micrognathia, and joint laxity (Izumi et al., 2016). Autism was additionally reported in one of these affected individuals. However, more evidence is needed to explore the link between variants in the ARCN1 gene and human disease. Inheritance of this variant is unknown. This variant is absent from population databases. Computational prediction models are inconsistent.

Literature cited by the submitters: PubMed 27476655.

NM_001655.5(ARCN1):c.853A>G (p.Thr285Ala)

Gene: ARCN1 (archain 1; plus strand). Cytogenetic location: 11q23.3.
Variant type: single nucleotide variant.
Coding change: c.853A>G on transcript NM_001655.5 (MANE Select); coding-DNA position 853, A replaced by G.
Protein change: p.Thr285Ala; replaces threonine 285 with alanine.
Molecular consequence: missense variant.
Genome position (GRCh38, 1-based): chr11:118,590,375, A>G. VCF-style: chr11-118590375-A-G. GRCh37 (hg19) VCF-style: chr11-118461090-A-G.
Other names: c.589A>G, p.Thr197Ala (NM_001142281.2); short protein forms T285A, T197A.
Identifiers: ClinVar variation 560282 (VCV000560282.3), dbSNP rs1565363815, ClinGen allele CA382810801.